The following is an entry in ClinVar:

NM_001161352.2(KCNMA1):c.414G>A (p.Ala138=)

Gene: KCNMA1 (potassium calcium-activated channel subfamily M alpha 1; minus strand). Cytogenetic location: 10q22.3.
Variant type: single nucleotide variant.
Coding change: c.414G>A on transcript NM_001161352.2 (MANE Select); coding-DNA position 414, G replaced by A.
Protein change: p.Ala138=; no amino-acid change (alanine 138 retained).
Molecular consequence: synonymous variant. On other transcripts: intron variant (1).
Genome position (GRCh38, 1-based): chr10:77,403,988, C>T on the plus strand (G>A on the coding strand, the complement: KCNMA1 is on the minus strand). VCF-style: chr10-77403988-C-T. GRCh37 (hg19) VCF-style: chr10-79163746-C-T.
Other names: c.414G>A, p.Ala138= (NM_001014797.3, NM_001161353.2, NM_001271519.2 and 7 more transcripts); c.379-152732G>A (NM_001271518.2).
Identifiers: ClinVar variation 464300 (VCV000464300.40), dbSNP rs61736948, ClinGen allele CA5568703.

ClinVar aggregate classification (germline): Conflicting classifications of pathogenicity. Review status: criteria provided, conflicting classifications (1 of 4 stars). 4 submissions from 4 submitters: Uncertain significance (1); Likely benign (3). Last evaluated 2025-10-02.

Conditions:
Generalized epilepsy-paroxysmal dyskinesia syndrome (PNKD3). Also called: Paroxysmal nonkinesigenic dyskinesia, 3, with or without generalized epilepsy; Generalized epilepsy and paroxysmal dyskinesia. Identifiers: Orphanet 79137, MedGen C5574945, MONDO:0012276, OMIM 609446.

Allele frequency attached by ClinVar (database versions not stated): ESP Exome Variant Server 0.00008; gnomAD exomes 0.00010; ExAC 0.00011; 1000 Genomes Project 30x 0.00016; TOPMed 0.00017; 1000 Genomes Project 0.00020.
gnomAD v4.1: 107 of 1,614,148 alleles (0.0066%); highest among the groups gnomAD compares: African/African-American, 0.072%; 1 homozygote.

Submissions (4):

Labcorp Genetics (formerly Invitae), Labcorp
Classification: Likely benign for Generalized epilepsy-paroxysmal dyskinesia syndrome. Last evaluated: 2025-10-02. Review status: criteria provided, single submitter. Criteria: Invitae Variant Classification Sherloc (09022015). Collection method: clinical testing. Allele origin: germline.

CeGaT Center for Human Genetics Tuebingen
Classification: Likely benign. Last evaluated: 2025-10-01. Review status: criteria provided, single submitter. Criteria: CeGaT Center For Human Genetics Tuebingen Variant Classification Criteria Version 2. Collection method: clinical testing. Allele origin: germline. Affected: yes. Observed: 4 variant alleles.
Comment: KCNMA1: BP4, BP7

Blueprint Genetics
Classification: Likely benign. Last evaluated: 2024-09-18. Review status: criteria provided, single submitter. Criteria: ACMG Guidelines, 2015. Collection method: clinical testing. Allele origin: germline.

Eurofins Ntd Llc (ga)
Classification: Uncertain significance. Last evaluated: 2018-05-25. Review status: criteria provided, single submitter. Criteria: EGL ClinVar v180209 classification definitions. Collection method: clinical testing. Allele origin: germline. Observed: 1 variant allele, 1 heterozygote.